The following is an entry in ClinVar:

ClinVar aggregate classification (germline): Conflicting classifications of pathogenicity. Review status: criteria provided, conflicting classifications (1 of 4 stars). 9 submissions from 9 submitters: Uncertain significance (8); Likely benign (1). Last evaluated 2026-05-20.

Conditions:
Classic or attenuated familial adenomatous polyposis. Identifiers: MedGen CN372698, MONDO:0021057.
APC-related disorder. Also called: APC-related condition.
Hereditary cancer-predisposing syndrome. Also called: Tumor predisposition; Neoplastic Syndromes, Hereditary; Hereditary Cancer Syndrome; Hereditary neoplastic syndrome. Identifiers: Orphanet 140162, MedGen C0027672, MeSH D009386, MONDO:0015356.
Familial adenomatous polyposis 1 (FAP1). Also called: POLYPOSIS, ADENOMATOUS INTESTINAL; FAMILIAL ADENOMATOUS POLYPOSIS 1, ATTENUATED. Identifiers: MedGen C2713442, MONDO:0021056, OMIM 175100. Disease mechanism: loss of function.

Allele frequency attached by ClinVar (database versions not stated): gnomAD exomes below 0.00001 and 0.00002; ExAC 0.00003; gnomAD 0.00005 and 0.00007; TOPMed 0.00005; ESP Exome Variant Server 0.00015.
gnomAD v4.1: 15 of 1,613,934 alleles (0.00093%); highest among the groups gnomAD compares: African/African-American, 0.012%; no homozygotes.

Submissions (9):

PreventionGenetics, part of Exact Sciences
Classification: Uncertain significance for APC-related condition. Last evaluated: 2026-05-20. Review status: criteria provided, single submitter. Criteria: ACMG Guidelines, 2015. Collection method: clinical testing. Allele origin: germline.
Comment: The APC c.6173G>A variant is predicted to result in the amino acid substitution p.Gly2058Asp. To our knowledge, this variant has not been reported in the literature in individuals with inherited APC-related conditions. This variant is reported in 0.018% of alleles in individuals of African descent in gnomAD and has conflicting interpretations in ClinVar ranging from likely benign to uncertain (Variation ID: 181773). Although we suspect that this variant may be benign, at this time, the clinical significance of this variant is uncertain due to the absence of conclusive functional and genetic evidence.

CeGaT Center for Human Genetics Tuebingen
Classification: Uncertain significance. Last evaluated: 2026-04-01. Review status: criteria provided, single submitter. Criteria: CeGaT Center For Human Genetics Tuebingen Variant Classification Criteria Version 2. Collection method: clinical testing. Allele origin: germline. Affected: yes. Observed: 1 variant allele.

Labcorp Genetics (formerly Invitae), Labcorp
Classification: Uncertain significance for Familial adenomatous polyposis 1. Last evaluated: 2026-01-28. Review status: criteria provided, single submitter. Criteria: Invitae Variant Classification Sherloc (09022015). Collection method: clinical testing. Allele origin: germline.
Comment: This sequence change replaces glycine, which is neutral and non-polar, with aspartic acid, which is acidic and polar, at codon 2058 of the APC protein (p.Gly2058Asp). This variant is present in population databases (rs150140908, gnomAD 0.01%). This variant has not been reported in the literature in individuals affected with APC-related conditions. ClinVar contains an entry for this variant (Variation ID: 181773). Invitae Evidence Modeling of protein sequence and biophysical properties (such as structural, functional, and spatial information, amino acid conservation, physicochemical variation, residue mobility, and thermodynamic stability) indicates that this missense variant is not expected to disrupt APC protein function with a negative predictive value of 95%. In summary, the available evidence is currently insufficient to determine the role of this variant in disease. Therefore, it has been classified as a Variant of Uncertain Significance.

Quest Diagnostics Nichols Institute San Juan Capistrano
Classification: Uncertain significance. Last evaluated: 2024-10-01. Review status: criteria provided, single submitter. Criteria: Quest Diagnostics criteria. Collection method: clinical testing. Allele origin: unknown.
Comment: The APC c.6173G>A (p.Gly2058Asp) variant has been reported in the published literature in an individual with breast cancer and renal cell cancer (PMID: 34855061 (2022)). The frequency of this variant in the general population, 0.00018 (3/16240 chromosomes in African/African American subpopulation (Genome Aggregation Database)), is higher than would generally be expected for pathogenic variants in this gene. Analysis of this variant using bioinformatics tools for the prediction of the effect of amino acid changes on protein structure and function yielded predictions that this variant is benign. Based on the available information, we are unable to determine the clinical significance of this variant.

Baylor Genetics
Classification: Uncertain significance for Familial adenomatous polyposis 1. Last evaluated: 2024-03-25. Review status: criteria provided, single submitter. Criteria: ACMG Guidelines, 2015. Collection method: clinical testing. Allele origin: unknown.

All of Us Research Program, National Institutes of Health
Classification: Uncertain significance for Classic or attenuated familial adenomatous polyposis. Last evaluated: 2024-03-14. Review status: criteria provided, single submitter. Criteria: ACMG Guidelines, 2015. Collection method: clinical testing. Allele origin: germline. Inheritance: Autosomal dominant inheritance. Observed: 5 variant alleles, 5 heterozygotes.
Comment: This missense variant replaces glycine with aspartic acid at codon 2058 of the APC protein. Computational prediction suggests that this variant may not impact protein structure and function (internally defined REVEL score threshold <= 0.5, PMID: 27666373). To our knowledge, functional studies have not been reported for this variant. This variant has been reported in an individual affected with breast cancer and renal cell carcinoma (PMID: 34855061). This variant has been identified in 4/250788 chromosomes in the general population by the Genome Aggregation Database (gnomAD). The available evidence is insufficient to determine the role of this variant in disease conclusively. Therefore, this variant is classified as a Variant of Uncertain Significance.

This study involves interpretation of variants in research participants for the purpose of population health screening. Participant phenotype was not available at the time of variant classification. Additional details can be found in publication PMID: 35346344, PMCID: PMC8962531

Color Diagnostics, LLC DBA Color Health
Classification: Uncertain significance for Hereditary cancer-predisposing syndrome. Last evaluated: 2023-10-06. Review status: criteria provided, single submitter. Criteria: ACMG Guidelines, 2015. Collection method: clinical testing. Allele origin: germline.
Comment: This missense variant replaces glycine with aspartic acid at codon 2058 of the APC protein. Computational prediction suggests that this variant may not impact protein structure and function (internally defined REVEL score threshold <= 0.5, PMID: 27666373). To our knowledge, functional studies have not been reported for this variant. This variant has been reported in an individual affected with breast cancer and renal cell carcinoma (PMID: 34855061). This variant has been identified in 4/250788 chromosomes in the general population by the Genome Aggregation Database (gnomAD). The available evidence is insufficient to determine the role of this variant in disease conclusively. Therefore, this variant is classified as a Variant of Uncertain Significance.

GeneDx
Classification: Uncertain significance. Last evaluated: 2023-03-02. Review status: criteria provided, single submitter. Criteria: GeneDx Variant Classification Process June 2021. Collection method: clinical testing. Allele origin: germline. Affected: yes.
Comment: Not observed at significant frequency in large population cohorts (gnomAD); In silico analysis supports that this missense variant does not alter protein structure/function; Has not been previously published as pathogenic or benign to our knowledge

Ambry Genetics
Classification: Likely benign for Hereditary cancer-predisposing syndrome. Last evaluated: 2022-11-10. Review status: criteria provided, single submitter. Criteria: Ambry Variant Classification Scheme 2023. Collection method: clinical testing. Allele origin: germline.

Literature cited by the submitters: PubMed 34855061 (cited by 4 submitters).

NM_000038.6(APC):c.6173G>A (p.Gly2058Asp)

Gene: APC (APC regulator of Wnt signaling pathway; plus strand). Cytogenetic location: 5q22.2.
Variant type: single nucleotide variant.
Coding change: c.6173G>A on transcript NM_000038.6 (MANE Select); coding-DNA position 6173, G replaced by A.
Protein change: p.Gly2058Asp; replaces glycine 2058 with aspartic acid.
Molecular consequence: missense variant.
Genome position (GRCh38, 1-based): chr5:112,841,767, G>A. VCF-style: chr5-112841767-G-A. GRCh37 (hg19) VCF-style: chr5-112177464-G-A.
Other names: p.G2058D:GGT>GAT; c.6173G>A, p.Gly2058Asp (NM_001127510.3, NM_001354895.2); c.6119G>A, p.Gly2040Asp (NM_001127511.3); c.6227G>A, p.Gly2076Asp (NM_001354896.2); c.6203G>A, p.Gly2068Asp (NM_001354897.2); c.6098G>A, p.Gly2033Asp (NM_001354898.2); c.6089G>A, p.Gly2030Asp (NM_001354899.2); c.6050G>A, p.Gly2017Asp (NM_001354900.2); and 6 more; short protein forms G2040D, G2058D, G1775D, G1957D, G1967D, G2017D, G1932D, G1999D.
Identifiers: ClinVar variation 181773 (VCV000181773.33), dbSNP rs150140908, ClinGen allele CA010991.
Genomic context (GRCh38, chr5:112,841,767, plus strand): 5'-TGTTGCAGGAATGTATAAGCTCCGCAATGCCAAAAAAGAAAAAGCCTTCAAGACTCAAGG[G>A]TGATAATGAAAAACATAGTCCCAGAAATATGGGTGGCATATTAGGTGAAGATCTGACACT-3'
Protein context (NP_000029.2, residues 2048-2068): PKKKKPSRLK[Gly2058Asp]DNEKHSPRNM